The following is an entry in ClinVar:

NM_000179.3(MSH6):c.665A>G (p.Asp222Gly)

Gene: MSH6 (mutS homolog 6; plus strand). Cytogenetic location: 2p16.3.
Variant type: single nucleotide variant.
Coding change: c.665A>G on transcript NM_000179.3 (MANE Select); coding-DNA position 665, A replaced by G.
Protein change: p.Asp222Gly; replaces aspartic acid 222 with glycine.
Molecular consequence: missense variant. On other transcripts: 5 prime UTR variant (2).
Genome position (GRCh38, 1-based): chr2:47,798,648, A>G. VCF-style: chr2-47798648-A-G. GRCh37 (hg19) VCF-style: chr2-48025787-A-G.
Other names: c.275A>G, p.Asp92Gly (NM_001281492.2); c.-242A>G (NM_001281493.2, NM_001281494.2); short protein forms D92G, D222G.
Identifiers: ClinVar variation 927221 (VCV000927221.5), dbSNP rs750827951, ClinGen allele CA073329.

ClinVar aggregate classification (germline): Uncertain significance. Review status: criteria provided, multiple submitters, no conflicts (2 of 4 stars). 3 submissions from 3 submitters: Uncertain significance (3). Last evaluated 2022-07-20.

Conditions:
Hereditary cancer-predisposing syndrome. Also called: Tumor predisposition; Neoplastic Syndromes, Hereditary; Hereditary neoplastic syndrome; Hereditary Cancer Syndrome. Identifiers: Orphanet 140162, MedGen C0027672, MeSH D009386, MONDO:0015356.

Allele frequency attached by ClinVar (database versions not stated): gnomAD exomes below 0.00001; ExAC 0.00001.
gnomAD v4.1: 2 of 1,612,980 alleles (0.00012%); highest among the groups gnomAD compares: Non-Finnish European, 0.000085%; no homozygotes.

Submissions (3):

Blueprint Genetics
Classification: Uncertain significance. Last evaluated: 2022-07-20. Review status: criteria provided, single submitter. Criteria: ACMG Guidelines, 2015. Collection method: clinical testing. Allele origin: germline.

Color Diagnostics, LLC DBA Color Health
Classification: Uncertain significance for Hereditary cancer-predisposing syndrome. Last evaluated: 2018-10-05. Review status: criteria provided, single submitter. Criteria: ACMG Guidelines, 2015. Collection method: clinical testing. Allele origin: germline.

Ambry Genetics
Classification: Uncertain significance for Hereditary cancer-predisposing syndrome. Last evaluated: 2017-11-08. Review status: criteria provided, single submitter. Criteria: Ambry Variant Classification Scheme 2023. Collection method: clinical testing. Allele origin: germline.
Comment: The p.D222G variant (also known as c.665A>G), located in coding exon 4 of the MSH6 gene, results from an A to G substitution at nucleotide position 665. The aspartic acid at codon 222 is replaced by glycine, an amino acid with similar properties. This amino acid position is not well conserved in available vertebrate species. In addition, this alteration is predicted to be tolerated by in silico analysis. In addition, the CoDP in silico tool predicts this alteration to have a minor impact on molecular function, with a score of 0.000 (Terui H et al. J. Biomed. Sci. 2013 Apr;20:25). Since supporting evidence is limited at this time, the clinical significance of this alteration remains unclear.